The following is an entry in ClinVar:

NM_001130144.3(LTBP3):c.3910_*6del (p.Ter1304del)

Gene: LTBP3 (latent transforming growth factor beta binding protein 3; minus strand). Cytogenetic location: 11q13.1.
Variant type: Deletion.
Coding change: c.3910_*6del on transcript NM_001130144.3 (MANE Select); coding-DNA position 3910 through 6 bases downstream of the stop codon, 9 bases deleted (TGACGCCGC; older notation c.3910_*6delTGACGCCGC).
Protein change: p.Ter1304del.
Molecular consequence: stop lost, inframe deletion.
Genome position (GRCh38, 1-based): chr11:65,539,074-65,539,082, GCGGCGTCA deleted on the plus strand (TGACGCCGC on the coding strand, the reverse complement: LTBP3 is on the minus strand); deleting any 9 consecutive bases within chr11:65,539,074-65,539,088 gives the same sequence; the c. name uses the placement nearest the transcript's 3' end. VCF-style (leftmost placement, unchanged base first): chr11-65539073-GGCGGCGTCA-G. GRCh37 (hg19) VCF-style: chr11-65306544-GGCGGCGTCA-G.
Other names: c.3910_*6delTGACGCCGC (NM_001130144.2); c.3418_*6del, p.Ter1140del (NM_001164266.1); c.3769_*6del, p.Ter1257del (NM_021070.4); short protein forms :1140del, :1304del, :1257del.
Identifiers: ClinVar variation 422699 (VCV000422699.5), dbSNP rs779871744, ClinGen allele CA16619370.

ClinVar aggregate classification (germline): Conflicting classifications of pathogenicity. Review status: criteria provided, conflicting classifications (1 of 4 stars). 2 submissions from 2 submitters: Likely pathogenic (1); Uncertain significance (1). Last evaluated 2024-07-31.

Conditions:
Brachyolmia-amelogenesis imperfecta syndrome. Also called: Tooth agenesis, selective, 6; Dental anomalies and short stature; PLATYSPONDYLY WITH AMELOGENESIS IMPERFECTA. Identifiers: Orphanet 2899, MedGen C1832594, MONDO:0011018, OMIM 601216. Disease mechanism: loss of function.

Submissions (2):

Labcorp Genetics (formerly Invitae), Labcorp
Classification: Uncertain significance for Brachyolmia-amelogenesis imperfecta syndrome. Last evaluated: 2024-07-31. Review status: criteria provided, single submitter. Criteria: Invitae Variant Classification Sherloc (09022015). Collection method: clinical testing. Allele origin: germline.
Comment: This sequence change disrupts the translational stop signal of the LTBP3 mRNA. It is expected to extend the length of the LTBP3 protein by 9 additional amino acid residues. This variant is not present in population databases (gnomAD no frequency). This variant has not been reported in the literature in individuals affected with LTBP3-related conditions. ClinVar contains an entry for this variant (Variation ID: 422699). Experimental studies and prediction algorithms are not available or were not evaluated, and the functional significance of this variant is currently unknown. In summary, the available evidence is currently insufficient to determine the role of this variant in disease. Therefore, it has been classified as a Variant of Uncertain Significance.

GeneDx
Classification: Likely pathogenic. Last evaluated: 2020-09-02. Review status: criteria provided, single submitter. Criteria: GeneDx Variant Classification Process June 2021. Collection method: clinical testing. Allele origin: germline. Affected: yes.
Comment: Not observed in large population cohorts (Lek et al., 2016); Normal stop codon changed to an Arginine codon, leading to the addition of 9 amino acids at the C-terminus; Has not been previously published as pathogenic or benign to our knowledge